The following is an entry in ClinVar:

NM_015466.4(PTPN23):c.4434C>T (p.Asn1478=)

Gene: PTPN23 (protein tyrosine phosphatase non-receptor type 23; plus strand). Cytogenetic location: 3p21.31.
Variant type: single nucleotide variant.
Coding change: c.4434C>T on transcript NM_015466.4 (MANE Select); coding-DNA position 4434, C replaced by T.
Protein change: p.Asn1478=; no amino-acid change (asparagine 1478 retained).
Molecular consequence: synonymous variant.
Genome position (GRCh38, 1-based): chr3:47,412,708, C>T. VCF-style: chr3-47412708-C-T. GRCh37 (hg19) VCF-style: chr3-47454198-C-T.
Other names: c.4056C>T, p.Asn1352= (NM_001304482.2).
Identifiers: ClinVar variation 1335516 (VCV001335516.35), dbSNP rs1389255731, ClinGen allele CA433606405.

ClinVar aggregate classification (germline): Likely benign (1 of 4 stars; one submission).

Allele frequency attached by ClinVar (database versions not stated): gnomAD exomes below 0.00001; TOPMed below 0.00001.
gnomAD v4.1: 3 of 1,596,984 alleles (0.00019%); highest among the groups gnomAD compares: Non-Finnish European, 0.00026%; no homozygotes.

Submission:

CeGaT Center for Human Genetics Tuebingen
Classification: Likely benign. Last evaluated: 2024-09-01. Review status: criteria provided, single submitter. Criteria: CeGaT Center For Human Genetics Tuebingen Variant Classification Criteria Version 2. Collection method: clinical testing. Allele origin: germline. Affected: yes. Observed: 2 variant alleles.
Comment: PTPN23: BP4, BP7